The following is an entry in ClinVar:

NM_000094.4(COL7A1):c.6674C>T (p.Ala2225Val)

Gene: COL7A1 (collagen type VII alpha 1 chain; minus strand). Cytogenetic location: 3p21.31.
Variant type: single nucleotide variant.
Coding change: c.6674C>T on transcript NM_000094.4 (MANE Select); coding-DNA position 6674, C replaced by T.
Protein change: p.Ala2225Val; replaces alanine 2225 with valine.
Molecular consequence: missense variant.
Genome position (GRCh38, 1-based): chr3:48,573,214, G>A on the plus strand (C>T on the coding strand, the complement: COL7A1 is on the minus strand). VCF-style: chr3-48573214-G-A. GRCh37 (hg19) VCF-style: chr3-48610647-G-A.
Other names: short protein forms A2225V.
Identifiers: ClinVar variation 3689567 (VCV003689567.2).
Genomic context (GRCh38, chr3:48,573,214, plus strand): 5'-GGCCACAGGGACTCACTCACCACAAGGCCTGAAGGGCCGGGGGGTCCAGGAAGTCCCACA[G>A]CTCCAGTAGGTCCAGTCAGGCCCTGGAGGAAGAGAAAGTTCAGGGCAGTGCCAACCCCAC-3'
Protein context (NP_000085.1, residues 2215-2235): PGRGLTGPTG[Ala2225Val]VGLPGPPGPS

ClinVar aggregate classification (germline): Uncertain significance (1 of 4 stars; one submission).

Submission:

Labcorp Genetics (formerly Invitae), Labcorp
Classification: Uncertain significance. Last evaluated: 2024-02-09. Review status: criteria provided, single submitter. Criteria: Invitae Variant Classification Sherloc (09022015). Collection method: clinical testing. Allele origin: germline.
Comment: This sequence change replaces alanine, which is neutral and non-polar, with valine, which is neutral and non-polar, at codon 2225 of the COL7A1 protein (p.Ala2225Val). This variant is not present in population databases (gnomAD no frequency). This variant has not been reported in the literature in individuals affected with COL7A1-related conditions. Advanced modeling of protein sequence and biophysical properties (such as structural, functional, and spatial information, amino acid conservation, physicochemical variation, residue mobility, and thermodynamic stability) performed at Invitae indicates that this missense variant is not expected to disrupt COL7A1 protein function with a negative predictive value of 95%. In summary, the available evidence is currently insufficient to determine the role of this variant in disease. Therefore, it has been classified as a Variant of Uncertain Significance.